The following is an entry in ClinVar:

ClinVar aggregate classification (germline): Pathogenic (1 of 4 stars; one submission).

Conditions:
Alkaptonuria (AKU). Also called: HOMOGENTISIC ACID OXIDASE DEFICIENCY; Alkaptonuric ochronosis; Alcaptonuria; Homogentisic acidura. Identifiers: Orphanet 56, MedGen C0002066, MONDO:0008753, OMIM 203500.

Submission:

Labcorp Genetics (formerly Invitae), Labcorp
Classification: Pathogenic for Alkaptonuria. Last evaluated: 2023-02-23. Review status: criteria provided, single submitter. Criteria: Invitae Variant Classification Sherloc (09022015). Collection method: clinical testing. Allele origin: unknown.
Comment: This variant is a gross deletion of the genomic region encompassing exon(s) 2-3 of the HGD gene. This deletion is out-of-frame, and is expected to create a premature termination codon and result in an absent or disrupted protein product. Loss-of-function variants in HGD are known to be pathogenic (PMID: 12501223, 19862842). For these reasons, this variant has been classified as Pathogenic. This variant has not been reported in the literature in individuals affected with HGD-related conditions.

Literature cited by the submitters: PubMed 12501223; PubMed 19862842.

NC_000003.11:g.(?_120393728)_(120394730_?)del

Gene: HGD (homogentisate 1,2-dioxygenase; minus strand). Cytogenetic location: 3q13.33.
Variant type: Deletion.
Identifiers: ClinVar variation 3246783 (VCV003246783.1).